The following is an entry in ClinVar:

NM_181486.4(TBX5):c.1526G>A (p.Gly509Asp)

Gene: TBX5 (T-box transcription factor 5; minus strand). Cytogenetic location: 12q24.21.
Variant type: single nucleotide variant.
Coding change: c.1526G>A on transcript NM_181486.4 (MANE Select); coding-DNA position 1526, G replaced by A.
Protein change: p.Gly509Asp; replaces glycine 509 with aspartic acid.
Molecular consequence: missense variant.
Genome position (GRCh38, 1-based): chr12:114,355,563, C>T on the plus strand (G>A on the coding strand, the complement: TBX5 is on the minus strand). VCF-style: chr12-114355563-C-T. GRCh37 (hg19) VCF-style: chr12-114793368-C-T.
Other names: c.1526G>A, p.Gly509Asp (NM_000192.3); c.1376G>A, p.Gly459Asp (NM_080717.4); short protein forms G509D, G459D.
Identifiers: ClinVar variation 4181307 (VCV004181307.1).

ClinVar aggregate classification (germline): Uncertain significance (1 of 4 stars; one submission).

Conditions:
Cardiovascular phenotype. Identifiers: MedGen CN230736.

Submission:

Ambry Genetics
Classification: Uncertain significance for Cardiovascular phenotype. Last evaluated: 2025-08-12. Review status: criteria provided, single submitter. Criteria: Ambry Variant Classification Scheme 2023. Collection method: clinical testing. Allele origin: germline.
Comment: The p.G509D variant (also known as c.1526G>A), located in coding exon 8 of the TBX5 gene, results from a G to A substitution at nucleotide position 1526. The glycine at codon 509 is replaced by aspartic acid, an amino acid with similar properties. This amino acid position is conserved. In addition, the in silico prediction for this alteration is inconclusive. Based on the available evidence, the clinical significance of this variant remains unclear.